The following is an entry in ClinVar:

NM_182914.3(SYNE2):c.6735C>A (p.Asp2245Glu)

Gene: SYNE2 (spectrin repeat containing nuclear envelope protein 2; plus strand). Cytogenetic location: 14q23.2.
Variant type: single nucleotide variant.
Coding change: c.6735C>A on transcript NM_182914.3 (MANE Select); coding-DNA position 6735, C replaced by A.
Protein change: p.Asp2245Glu; replaces aspartic acid 2245 with glutamic acid.
Molecular consequence: missense variant.
Genome position (GRCh38, 1-based): chr14:64,029,915, C>A. VCF-style: chr14-64029915-C-A. GRCh37 (hg19) VCF-style: chr14-64496633-C-A.
Other names: c.6735C>A, p.Asp2245Glu (NM_015180.6); short protein forms D2245E.
Identifiers: ClinVar variation 2032362 (VCV002032362.4), dbSNP rs552463090, ClinGen allele CA7220768.

ClinVar aggregate classification (germline): Uncertain significance (1 of 4 stars; one submission).

Conditions:
Emery-Dreifuss muscular dystrophy 5, autosomal dominant (EDMD5). Also called: EMERY-DREIFUSS MUSCULAR DYSTROPHY 5. Identifiers: Orphanet 261, MedGen C2751805, MONDO:0013072, OMIM 612999.

Allele frequency attached by ClinVar (database versions not stated): gnomAD 0.00009.
gnomAD v4.1: 22 of 1,613,620 alleles (0.0014%); highest among the groups gnomAD compares: African/African-American, 0.027%; no homozygotes.

Submission:

Labcorp Genetics (formerly Invitae), Labcorp
Classification: Uncertain significance for Emery-Dreifuss muscular dystrophy 5, autosomal dominant. Last evaluated: 2022-03-31. Review status: criteria provided, single submitter. Criteria: Invitae Variant Classification Sherloc (09022015). Collection method: clinical testing. Allele origin: germline.
Comment: This variant has not been reported in the literature in individuals affected with SYNE2-related conditions. In summary, the available evidence is currently insufficient to determine the role of this variant in disease. Therefore, it has been classified as a Variant of Uncertain Significance. Algorithms developed to predict the effect of missense changes on protein structure and function output the following: SIFT: "Tolerated"; PolyPhen-2: "Benign"; Align-GVGD: "Class C0". The glutamic acid amino acid residue is found in multiple mammalian species, which suggests that this missense change does not adversely affect protein function. This variant is present in population databases (rs552463090, gnomAD 0.04%), and has an allele count higher than expected for a pathogenic variant. This sequence change replaces aspartic acid, which is acidic and polar, with glutamic acid, which is acidic and polar, at codon 2245 of the SYNE2 protein (p.Asp2245Glu).